The following is an entry in ClinVar:

NM_005732.4(RAD50):c.3214A>T (p.Asn1072Tyr)

Gene: RAD50 (RAD50 double strand break repair protein; plus strand). Cytogenetic location: 5q31.1.
Variant type: single nucleotide variant.
Coding change: c.3214A>T on transcript NM_005732.4 (MANE Select); coding-DNA position 3214, A replaced by T.
Protein change: p.Asn1072Tyr; replaces asparagine 1072 with tyrosine.
Molecular consequence: missense variant.
Genome position (GRCh38, 1-based): chr5:132,618,119, A>T. VCF-style: chr5-132618119-A-T. GRCh37 (hg19) VCF-style: chr5-131953811-A-T.
Other names: short protein forms N1072Y.
Identifiers: ClinVar variation 1429089 (VCV001429089.6), dbSNP rs867139420, ClinGen allele CA360964357.

ClinVar aggregate classification (germline): Uncertain significance (1 of 4 stars; one submission).

Conditions:
Hereditary cancer-predisposing syndrome. Also called: Tumor predisposition; Hereditary neoplastic syndrome; Neoplastic Syndromes, Hereditary; Hereditary Cancer Syndrome. Identifiers: Orphanet 140162, MedGen C0027672, MeSH D009386, MONDO:0015356.

Submission:

Labcorp Genetics (formerly Invitae), Labcorp
Classification: Uncertain significance for Hereditary cancer-predisposing syndrome. Last evaluated: 2021-09-26. Review status: criteria provided, single submitter. Criteria: Invitae Variant Classification Sherloc (09022015). Collection method: clinical testing. Allele origin: germline.
Comment: In summary, the available evidence is currently insufficient to determine the role of this variant in disease. Therefore, it has been classified as a Variant of Uncertain Significance. Algorithms developed to predict the effect of missense changes on protein structure and function (SIFT, PolyPhen-2, Align-GVGD) all suggest that this variant is likely to be tolerated. This variant has not been reported in the literature in individuals affected with RAD50-related conditions. This variant is not present in population databases (ExAC no frequency). This sequence change replaces asparagine with tyrosine at codon 1072 of the RAD50 protein (p.Asn1072Tyr). The asparagine residue is weakly conserved and there is a large physicochemical difference between asparagine and tyrosine.